The following is an entry in ClinVar:

NM_000044.6(AR):c.1850T>C (p.Leu617Pro)

Gene: AR (androgen receptor; plus strand). Cytogenetic location: Xq12.
Variant type: single nucleotide variant.
Coding change: c.1850T>C on transcript NM_000044.6 (MANE Select); coding-DNA position 1850, T replaced by C.
Protein change: p.Leu617Pro; replaces leucine 617 with proline.
Molecular consequence: missense variant. On other transcripts: 3 prime UTR variant (1).
Genome position (GRCh38, 1-based): chrX:67,686,091, T>C. VCF-style: chrX-67686091-T-C. GRCh37 (hg19) VCF-style: chrX-66905933-T-C.
Other names: c.254T>C, p.Leu85Pro (NM_001011645.3); c.1850T>C, p.Leu617Pro (NM_001348061.1, NM_001348063.1); c.*48T>C (NM_001348064.1); short protein forms L617P, L85P.
Identifiers: ClinVar variation 458360 (VCV000458360.9), dbSNP rs1555990488, ClinGen allele CA413429312.
Genomic context (GRCh38, chrX:67,686,091, plus strand): 5'-CCAGCAGAAATGATTGCACTATTGATAAATTCCGAAGGAAAAATTGTCCATCTTGTCGTC[T>C]TCGGAAATGTTATGAAGCAGGGATGACTCTGGGAGGTAAGATACTTTTCTTTCTCTTCCT-3'
Protein context (NP_000035.2, residues 607-627): FRRKNCPSCR[Leu617Pro]RKCYEAGMTL

ClinVar aggregate classification (germline): Pathogenic (1 of 4 stars; one submission).

Conditions:
Androgen resistance syndrome (AIS). Also called: ANDROGEN RECEPTOR DEFICIENCY; DIHYDROTESTOSTERONE RECEPTOR DEFICIENCY; Androgen insensitivity syndrome; TESTICULAR FEMINIZATION SYNDROME; Androgen insensitivity; Androgen insensitivity syndrome due to coactivator deficiency. Identifiers: Orphanet 754, Orphanet 99429, MedGen C0039585, MONDO:0019154, OMIM 300068. Disease mechanism: loss of function.
Kennedy disease (SMAX1). Also called: SPINAL AND BULBAR MUSCULAR ATROPHY, X-LINKED 1; Spinal and Bulbar Muscular Atrophy; KENNEDY SPINAL AND BULBAR MUSCULAR ATROPHY. Identifiers: Orphanet 481, MedGen C1839259, MONDO:0010735, OMIM 313200.

Submission:

Labcorp Genetics (formerly Invitae), Labcorp
Classification: Pathogenic for Kennedy disease; Androgen resistance syndrome. Last evaluated: 2025-05-16. Review status: criteria provided, single submitter. Criteria: Invitae Variant Classification Sherloc (09022015). Collection method: clinical testing. Allele origin: germline.
Comment: This sequence change replaces leucine, which is neutral and non-polar, with proline, which is neutral and non-polar, at codon 617 of the AR protein (p.Leu617Pro). This variant is not present in population databases (gnomAD no frequency). This missense change has been observed in individuals with complete androgen insensitivity syndrome (PMID: 8647313, 21520333). This variant is also known as p.Leu616Pro. ClinVar contains an entry for this variant (Variation ID: 458360). Invitae Evidence Modeling of protein sequence and biophysical properties (such as structural, functional, and spatial information, amino acid conservation, physicochemical variation, residue mobility, and thermodynamic stability) indicates that this missense variant is expected to disrupt AR protein function with a positive predictive value of 95%. Experimental studies have shown that this missense change affects AR function (PMID: 8647313, 23106833). For these reasons, this variant has been classified as Pathogenic.

Literature cited by the submitters: PubMed 8647313; PubMed 21520333; PubMed 23106833.